The following is an entry in ClinVar:

ClinVar aggregate classification (germline): Uncertain significance. Review status: criteria provided, multiple submitters, no conflicts (2 of 4 stars). 5 submissions from 5 submitters: Uncertain significance (4). 1 of the submissions does not count toward it. Last evaluated 2024-08-22.

Conditions:
Inborn genetic diseases. Identifiers: MedGen C0950123, MeSH D030342.
Nemaline myopathy 2 (NEM2). Also called: Nemaline myopathy 2, autosomal recessive. Identifiers: MedGen C1850569, MONDO:0009725, OMIM 256030.

Allele frequency attached by ClinVar (database versions not stated): gnomAD 0.00003; TOPMed 0.00003.
gnomAD v4.1: 31 of 1,605,724 alleles (0.0019%); highest among the groups gnomAD compares: Middle Eastern, 0.066%; no homozygotes.

Submissions (5):

Blueprint Genetics
Classification: Uncertain significance. Last evaluated: 2024-08-22. Review status: criteria provided, single submitter. Criteria: ACMG Guidelines, 2015. Collection method: clinical testing. Allele origin: germline.

Ambry Genetics
Classification: Uncertain significance for Inborn genetic diseases. Last evaluated: 2024-01-16. Review status: criteria provided, single submitter. Criteria: Ambry Variant Classification Scheme 2023. Collection method: clinical testing. Allele origin: germline.

Labcorp Genetics (formerly Invitae), Labcorp
Classification: Uncertain significance for Nemaline myopathy 2. Last evaluated: 2022-11-01. Review status: criteria provided, single submitter. Criteria: Invitae Variant Classification Sherloc (09022015). Collection method: clinical testing. Allele origin: germline.
Comment: This sequence change replaces aspartic acid, which is acidic and polar, with glutamic acid, which is acidic and polar, at codon 3620 of the NEB protein (p.Asp3620Glu). This variant is present in population databases (rs748243107, gnomAD 0.01%). This variant has not been reported in the literature in individuals affected with NEB-related conditions. ClinVar contains an entry for this variant (Variation ID: 290875). Algorithms developed to predict the effect of missense changes on protein structure and function are either unavailable or do not agree on the potential impact of this missense change (SIFT: "Deleterious"; PolyPhen-2: "Not Available"; Align-GVGD: "Class C0"). In summary, the available evidence is currently insufficient to determine the role of this variant in disease. Therefore, it has been classified as a Variant of Uncertain Significance.

Eurofins Ntd Llc (ga)
Classification: Uncertain significance. Last evaluated: 2016-08-25. Review status: criteria provided, single submitter. Criteria: EGL Classification Definitions 2015. Collection method: clinical testing. Allele origin: germline. Observed: 2 variant alleles, 2 heterozygotes.

Natera, Inc.
Classification: Uncertain significance for Nemaline myopathy type 2. Last evaluated: 2019-11-11. Review status: no assertion criteria provided. Collection method: clinical testing. Allele origin: germline. Not counted in ClinVar's aggregate classification.

NM_001164508.2(NEB):c.10860C>A (p.Asp3620Glu)

Gene: NEB (nebulin; minus strand). Cytogenetic location: 2q23.3.
Variant type: single nucleotide variant.
Coding change: c.10860C>A on transcript NM_001164508.2 (MANE Select); coding-DNA position 10860, C replaced by A.
Protein change: p.Asp3620Glu; replaces aspartic acid 3620 with glutamic acid.
Molecular consequence: missense variant.
Genome position (GRCh38, 1-based): chr2:151,619,463, G>T on the plus strand (C>A on the coding strand, the complement: NEB is on the minus strand). VCF-style: chr2-151619463-G-T. GRCh37 (hg19) VCF-style: chr2-152475977-G-T.
Other names: c.10860C>A, p.Asp3620Glu (NM_001164507.2, NM_001271208.2); c.10131C>A, p.Asp3377Glu (NM_004543.5); c.10131C>A (NM_004543.4); short protein forms D3377E, D3620E.
Identifiers: ClinVar variation 290875 (VCV000290875.13), dbSNP rs748243107, ClinGen allele CA1908939.